The following is an entry in ClinVar:

ClinVar aggregate classification (germline): Uncertain significance (1 of 4 stars; one submission).

Submission:

Labcorp Genetics (formerly Invitae), Labcorp
Classification: Uncertain significance. Last evaluated: 2024-10-16. Review status: criteria provided, single submitter. Criteria: Invitae Variant Classification Sherloc (09022015). Collection method: clinical testing. Allele origin: germline.
Comment: This sequence change replaces phenylalanine, which is neutral and non-polar, with serine, which is neutral and polar, at codon 94 of the ALPL protein (p.Phe94Ser). This variant is not present in population databases (gnomAD no frequency). This variant has not been reported in the literature in individuals affected with ALPL-related conditions. Invitae Evidence Modeling of protein sequence and biophysical properties (such as structural, functional, and spatial information, amino acid conservation, physicochemical variation, residue mobility, and thermodynamic stability) has been performed for this missense variant. However, the output from this modeling did not meet the statistical confidence thresholds required to predict the impact of this variant on ALPL protein function. In summary, the available evidence is currently insufficient to determine the role of this variant in disease. Therefore, it has been classified as a Variant of Uncertain Significance.

NM_000478.6(ALPL):c.281T>C (p.Phe94Ser)

Gene: ALPL (alkaline phosphatase, biomineralization associated; plus strand). Cytogenetic location: 1p36.12.
Variant type: single nucleotide variant.
Coding change: c.281T>C on transcript NM_000478.6 (MANE Select); coding-DNA position 281, T replaced by C.
Protein change: p.Phe94Ser; replaces phenylalanine 94 with serine.
Molecular consequence: missense variant. On other transcripts: intron variant (1).
Genome position (GRCh38, 1-based): chr1:21,561,196, T>C. VCF-style: chr1-21561196-T-C. GRCh37 (hg19) VCF-style: chr1-21887689-T-C.
Other names: c.116T>C, p.Phe39Ser (NM_001127501.4); c.281T>C, p.Phe94Ser (NM_001369803.2, NM_001369804.2, NM_001369805.2); c.66+451T>C (NM_001177520.3); short protein forms F39S, F94S.
Identifiers: ClinVar variation 3633516 (VCV003633516.2).
Genomic context (GRCh38, chr1:21,561,196, plus strand): 5'-AGGGTCAGCTCCACCACAACCCTGGGGAGGAGACCAGGCTGGAGATGGACAAGTTCCCCT[T>C]CGTGGCCCTCTCCAAGGTGAGCCCCATCCCCAAGCCCAGTTCAGGTCTGTATATCCAGTA-3'
Protein context (NP_000469.3, residues 84-104): ETRLEMDKFP[Phe94Ser]VALSKTYNTN